The following is an entry in ClinVar:

ClinVar aggregate classification (germline): Pathogenic (1 of 4 stars; one submission).

Submission:

Labcorp Genetics (formerly Invitae), Labcorp
Classification: Pathogenic. Last evaluated: 2024-04-04. Review status: criteria provided, single submitter. Criteria: Invitae Variant Classification Sherloc (09022015). Collection method: clinical testing. Allele origin: germline.
Comment: This sequence change creates a premature translational stop signal (p.Tyr119*) in the COQ8A gene. It is expected to result in an absent or disrupted protein product. Loss-of-function variants in COQ8A are known to be pathogenic (PMID: 18319074, 20580948). Information on the frequency of this variant in the gnomAD database is not available, as this variant may be reported differently in the database. This variant has not been reported in the literature in individuals affected with COQ8A-related conditions. For these reasons, this variant has been classified as Pathogenic.

Literature cited by the submitters: PubMed 18319074; PubMed 20580948.

NM_020247.5(COQ8A):c.357_359delinsAAG (p.Tyr119_Val120delinsTer)

Gene: COQ8A (coenzyme Q8A; plus strand). Cytogenetic location: 1q42.13.
Variant type: Indel.
Coding change: c.357_359delinsAAG on transcript NM_020247.5 (MANE Select); coding-DNA positions 357 to 359, CGT replaced by AAG.
Protein change: p.Tyr119_Val120delinsTer.
Molecular consequence: nonsense.
Genome position (GRCh38, 1-based): chr1:226,965,179-226,965,181, CGT replaced by AAG. VCF-style: chr1-226965179-CGT-AAG. GRCh37 (hg19) VCF-style: chr1-227152880-CGT-AAG.
Identifiers: ClinVar variation 3648827 (VCV003648827.2).